The following is an entry in ClinVar:

ClinVar aggregate classification (germline): Uncertain significance. Review status: criteria provided, multiple submitters, no conflicts (2 of 4 stars). 2 submissions from 2 submitters: Uncertain significance (2). Last evaluated 2023-10-26.

Conditions:
Cardiovascular phenotype. Identifiers: MedGen CN230736.

Allele frequency attached by ClinVar (database versions not stated): gnomAD 0.00001; TOPMed 0.00001.

Submissions (2):

Labcorp Genetics (formerly Invitae), Labcorp
Classification: Uncertain significance. Last evaluated: 2023-10-26. Review status: criteria provided, single submitter. Criteria: Invitae Variant Classification Sherloc (09022015). Collection method: clinical testing. Allele origin: germline.
Comment: This sequence change replaces alanine, which is neutral and non-polar, with valine, which is neutral and non-polar, at codon 2 of the PPP1CB protein (p.Ala2Val). This variant is not present in population databases (gnomAD no frequency). This variant has not been reported in the literature in individuals affected with PPP1CB-related conditions. ClinVar contains an entry for this variant (Variation ID: 1470541). An algorithm developed to predict the effect of missense changes on protein structure and function (PolyPhen-2) suggests that this variant is likely to be tolerated. In summary, the available evidence is currently insufficient to determine the role of this variant in disease. Therefore, it has been classified as a Variant of Uncertain Significance.

Ambry Genetics
Classification: Uncertain significance for Cardiovascular phenotype. Last evaluated: 2023-08-03. Review status: criteria provided, single submitter. Criteria: Ambry Variant Classification Scheme 2023. Collection method: clinical testing. Allele origin: germline.
Comment: The p.A2V variant (also known as c.5C>T), located in coding exon 1 of the PPP1CB gene, results from a C to T substitution at nucleotide position 5. The alanine at codon 2 is replaced by valine, an amino acid with similar properties. This amino acid position is conserved. In addition, this alteration is predicted to be tolerated by in silico analysis. Since supporting evidence is limited at this time, the clinical significance of this alteration remains unclear.

NM_002709.3(PPP1CB):c.5C>T (p.Ala2Val)

Gene: PPP1CB (protein phosphatase 1 catalytic subunit beta; plus strand). Cytogenetic location: 2p23.2.
Variant type: single nucleotide variant.
Coding change: c.5C>T on transcript NM_002709.3 (MANE Select); coding-DNA position 5, C replaced by T.
Protein change: p.Ala2Val; replaces alanine 2 with valine.
Molecular consequence: missense variant.
Genome position (GRCh38, 1-based): chr2:28,752,129, C>T. VCF-style: chr2-28752129-C-T. GRCh37 (hg19) VCF-style: chr2-28974995-C-T.
Other names: c.5C>T, p.Ala2Val (NM_206876.2); c.5C>T (NM_206876.1); short protein forms A2V.
Identifiers: ClinVar variation 1470541 (VCV001470541.8), dbSNP rs1305465866, ClinGen allele CA346584296.